The following is an entry in ClinVar:

ClinVar aggregate classification (germline): Uncertain significance (1 of 4 stars; one submission).

Allele frequency attached by ClinVar (database versions not stated): gnomAD exomes below 0.00001; TOPMed below 0.00001; ExAC 0.00003.
gnomAD v4.1: 6 of 1,613,996 alleles (0.00037%); highest among the groups gnomAD compares: Non-Finnish European, 0.00042%; no homozygotes.

Submission:

Labcorp Genetics (formerly Invitae), Labcorp
Classification: Uncertain significance. Last evaluated: 2024-06-17. Review status: criteria provided, single submitter. Criteria: Invitae Variant Classification Sherloc (09022015). Collection method: clinical testing. Allele origin: germline.
Comment: This sequence change replaces methionine, which is neutral and non-polar, with isoleucine, which is neutral and non-polar, at codon 736 of the PITPNM3 protein (p.Met736Ile). This variant is present in population databases (rs763196443, gnomAD 0.004%). This variant has not been reported in the literature in individuals affected with PITPNM3-related conditions. ClinVar contains an entry for this variant (Variation ID: 2104429). Advanced modeling of protein sequence and biophysical properties (such as structural, functional, and spatial information, amino acid conservation, physicochemical variation, residue mobility, and thermodynamic stability) performed at Invitae indicates that this missense variant is not expected to disrupt PITPNM3 protein function with a negative predictive value of 80%. In summary, the available evidence is currently insufficient to determine the role of this variant in disease. Therefore, it has been classified as a Variant of Uncertain Significance.

NM_031220.4(PITPNM3):c.2208G>C (p.Met736Ile)

Gene: PITPNM3 (PITPNM family member 3; minus strand). Cytogenetic location: 17p13.2.
Variant type: single nucleotide variant.
Coding change: c.2208G>C on transcript NM_031220.4 (MANE Select); coding-DNA position 2208, G replaced by C.
Protein change: p.Met736Ile; replaces methionine 736 with isoleucine.
Molecular consequence: missense variant.
Genome position (GRCh38, 1-based): chr17:6,463,830, C>G on the plus strand (G>C on the coding strand, the complement: PITPNM3 is on the minus strand). VCF-style: chr17-6463830-C-G. GRCh37 (hg19) VCF-style: chr17-6367150-C-G.
Other names: c.2100G>C, p.Met700Ile (NM_001165966.2); short protein forms M700I, M736I.
Identifiers: ClinVar variation 2104429 (VCV002104429.4), dbSNP rs763196443, ClinGen allele CA8329242.